The following is an entry in ClinVar:

NM_025114.4(CEP290):c.3894dup (p.Lys1299Ter)

Gene: CEP290 (centrosomal protein 290; minus strand). Cytogenetic location: 12q21.32.
Variant type: Duplication.
Coding change: c.3894dup on transcript NM_025114.4 (MANE Select); coding-DNA position 3894, one base duplicated (T; older notation c.3894dupT).
Protein change: p.Lys1299Ter; replaces lysine 1299 with a stop codon.
Molecular consequence: nonsense.
Genome position (GRCh38, 1-based): chr12:88,089,167, A duplicated on the plus strand (T on the coding strand, the reverse complement: CEP290 is on the minus strand); the first of 2 consecutive A bases (chr12:88,089,167-88,089,168); duplicating either gives the same sequence. VCF-style (leftmost placement, unchanged base first): chr12-88089166-T-TA. GRCh37 (hg19) VCF-style: chr12-88482943-T-TA.
Other names: c.3894dupT (NM_025114.3); short protein forms K1299*.
Identifiers: ClinVar variation 842416 (VCV000842416.18), dbSNP rs761907569, ClinGen allele CA6712063.

ClinVar aggregate classification (germline): Pathogenic/Likely pathogenic. Review status: criteria provided, multiple submitters, no conflicts (2 of 4 stars). 6 submissions from 6 submitters: Pathogenic (2); Likely pathogenic (4). Last evaluated 2026-08-26.

Conditions:
Nephronophthisis. Also called: Juvenile Nephronophthisis. Identifiers: Orphanet 655, MedGen C0687120, MONDO:0019005, HP:0000090.
Meckel-Gruber syndrome. Also called: GRUBER SYNDROME; DYSENCEPHALIA SPLANCHNOCYSTICA; Dysencephalia splachnocystica. Identifiers: Orphanet 564, MedGen C0265215, MONDO:0018921.
Joubert syndrome. Also called: Familial aplasia of the vermis; JOUBERT-BOLTSHAUSER SYNDROME. Identifiers: Orphanet 475, MedGen C5979921, MONDO:0018772.
Leber congenital amaurosis (LCA). Also called: Leber's amaurosis. Identifiers: Orphanet 65, MedGen C0339527, MeSH D057130, MONDO:0018998.
Bardet-Biedl syndrome 14 (BBS14). Identifiers: Orphanet 110, MedGen C2673874, MONDO:0014442, OMIM 615991.
Joubert syndrome 5 (JBTS5). Identifiers: Orphanet 2318, MedGen C1857780, MONDO:0012432, OMIM 610188.
CEP290-related disorder. Also called: CEP290-related condition; CEP290-related disorders. Identifiers: MedGen CN239314.

Submissions (6):

PreventionGenetics, part of Exact Sciences
Classification: Likely pathogenic for CEP290-related condition. Last evaluated: 2026-08-26. Review status: criteria provided, single submitter. Criteria: ACMG Guidelines, 2015. Collection method: clinical testing. Allele origin: germline.
Comment: The CEP290 c.3894dupT variant is predicted to result in premature protein termination (p.Lys1299*). This variant has been reported in the compound heterozygous or homozygous state in individuals with CEP290-associated disorders (Trujillano et al. 2017. PubMed ID: 27848944; Ercoskun et al. 2024. PubMed ID: 39731278). This variant is reported in 0.00090% of alleles in individuals of European (Non-Finnish) descent in gnomAD. Nonsense variants in CEP290 are expected to be pathogenic. This variant is interpreted as likely pathogenic.

Natera, Inc.
Classification: Likely pathogenic for Leber congenital amaurosis. Last evaluated: 2025-08-31. Review status: criteria provided, single submitter. Criteria: Natera Variant Classification Schema (03/2026). Collection method: clinical testing. Allele origin: germline.
Comment: The c.3894dupT variant in CEP290 is a frameshift variant predicted to shift the reading frame and introduce a stop codon. This variant is expected to result in nonsense mediated decay, truncation, or a dysfunctional protein product. This variant is rare in the general population with a frequency below the threshold expected for the associated phenotype(s). Given the available evidence, this variant is classified as Likely Pathogenic.

Labcorp Genetics (formerly Invitae), Labcorp
Classification: Pathogenic for Joubert syndrome; Meckel-Gruber syndrome; Nephronophthisis. Last evaluated: 2025-08-24. Review status: criteria provided, single submitter. Criteria: Invitae Variant Classification Sherloc (09022015). Collection method: clinical testing. Allele origin: germline.
Comment: This sequence change creates a premature translational stop signal (p.Lys1299*) in the CEP290 gene. It is expected to result in an absent or disrupted protein product. Loss-of-function variants in CEP290 are known to be pathogenic (PMID: 16909394, 17345604, 20690115). This variant is present in population databases (rs761907569, gnomAD 0.0009%). This premature translational stop signal has been observed in individual(s) with clinical features of Joubert syndrome (PMID: 27848944). ClinVar contains an entry for this variant (Variation ID: 842416). For these reasons, this variant has been classified as Pathogenic.

Baylor Genetics
Classification: Pathogenic for Bardet-Biedl syndrome 14. Last evaluated: 2023-12-19. Review status: criteria provided, single submitter. Criteria: ACMG Guidelines, 2015. Collection method: clinical testing. Allele origin: unknown.

Blueprint Genetics
Classification: Likely pathogenic for CEP290-related disorders. Last evaluated: 2023-10-24. Review status: criteria provided, single submitter. Criteria: ACMG Guidelines, 2015. Collection method: clinical testing. Allele origin: germline. Affected: yes. Observed: 3 variant alleles.

Centre for Mendelian Genomics, University Medical Centre Ljubljana
Classification: Likely pathogenic for Joubert syndrome 5. Last evaluated: 2020-01-20. Review status: criteria provided, single submitter. Criteria: ACMG Guidelines, 2015. Collection method: clinical testing. Allele origin: unknown. Affected: yes.
Comment: This variant was classified as: Likely pathogenic. The following ACMG criteria were applied in classifying this variant: PVS1,PM2.

Literature cited by the submitters: PubMed 16909394 (cited by Labcorp Genetics (formerly Invitae), Labcorp); PubMed 17345604 (cited by Labcorp Genetics (formerly Invitae), Labcorp); PubMed 20690115 (cited by Labcorp Genetics (formerly Invitae), Labcorp); PubMed 27848944 (cited by Labcorp Genetics (formerly Invitae), Labcorp).